The following is an entry in ClinVar:

NM_000263.4(NAGLU):c.733T>C (p.Phe245Leu)

Gene: NAGLU (N-acetyl-alpha-glucosaminidase; plus strand). Cytogenetic location: 17q21.2.
Variant type: single nucleotide variant.
Coding change: c.733T>C on transcript NM_000263.4 (MANE Select); coding-DNA position 733, T replaced by C.
Protein change: p.Phe245Leu; replaces phenylalanine 245 with leucine.
Molecular consequence: missense variant.
Genome position (GRCh38, 1-based): chr17:42,538,724, T>C. VCF-style: chr17-42538724-T-C. GRCh37 (hg19) VCF-style: chr17-40690742-T-C.
Other names: short protein forms F245L.
Identifiers: ClinVar variation 2930040 (VCV002930040.3), dbSNP rs2510653895, ClinGen allele CA399599036.

ClinVar aggregate classification (germline): Uncertain significance (1 of 4 stars; one submission).

Conditions:
Charcot-Marie-Tooth disease axonal type 2V. Also called: CHARCOT-MARIE-TOOTH NEUROPATHY, TYPE 2V; CHARCOT-MARIE-TOOTH DISEASE, AXONAL, AUTOSOMAL DOMINANT, TYPE 2V. Identifiers: Orphanet 447964, MedGen C5569050, MONDO:0014665, OMIM 616491.
Mucopolysaccharidosis, MPS-III-B (MPS3B). Also called: N-ACETYL-ALPHA-D-GLUCOSAMINIDASE DEFICIENCY; NAGLU DEFICIENCY; SANFILIPPO SYNDROME B; MPS III B; Mucopolysaccharidosis type IIIB (Sanfilippo B); MUCOPOLYSACCHARIDOSIS, TYPE IIIB. Identifiers: Orphanet 79270, MedGen C0086648, MONDO:0009656, OMIM 252920.

Submission:

Labcorp Genetics (formerly Invitae), Labcorp
Classification: Uncertain significance for Charcot-Marie-Tooth disease axonal type 2V; Mucopolysaccharidosis, MPS-III-B. Last evaluated: 2023-06-29. Review status: criteria provided, single submitter. Criteria: Invitae Variant Classification Sherloc (09022015). Collection method: clinical testing. Allele origin: germline.
Comment: This variant is not present in population databases (gnomAD no frequency). In summary, the available evidence is currently insufficient to determine the role of this variant in disease. Therefore, it has been classified as a Variant of Uncertain Significance. Advanced modeling of protein sequence and biophysical properties (such as structural, functional, and spatial information, amino acid conservation, physicochemical variation, residue mobility, and thermodynamic stability) performed at Invitae indicates that this missense variant is expected to disrupt NAGLU protein function. This missense change has been observed in individual(s) with mucopolysaccharidosis (PMID: 35005816). This sequence change replaces phenylalanine, which is neutral and non-polar, with leucine, which is neutral and non-polar, at codon 245 of the NAGLU protein (p.Phe245Leu).

Literature cited by the submitters: PubMed 35005816.